The following is an entry in ClinVar:

NM_000548.5(TSC2):c.5008C>T (p.His1670Tyr)

Gene: TSC2 (TSC complex subunit 2; plus strand). Cytogenetic location: 16p13.3.
Variant type: single nucleotide variant.
Coding change: c.5008C>T on transcript NM_000548.5 (MANE Select); coding-DNA position 5008, C replaced by T.
Protein change: p.His1670Tyr; replaces histidine 1670 with tyrosine.
Molecular consequence: missense variant.
Genome position (GRCh38, 1-based): chr16:2,087,881, C>T. VCF-style: chr16-2087881-C-T. GRCh37 (hg19) VCF-style: chr16-2137882-C-T.
Other names: c.3205C>T, p.His1069Tyr (NM_001406698.1); c.4879C>T, p.His1627Tyr (NM_021055.3, NM_001370405.1); c.4876C>T, p.His1626Tyr (NM_001370404.1); c.5005C>T, p.His1669Tyr (NM_001406663.1); c.4936C>T, p.His1646Tyr (NM_001406664.1); c.4930C>T, p.His1644Tyr (NM_001406665.1); c.4900C>T, p.His1634Tyr (NM_001406667.1); c.4897C>T, p.His1633Tyr (NM_001406668.1); and 26 more; short protein forms H1178Y, H1199Y, H1555Y, H1566Y, H1597Y, H1614Y, H1626Y, H1633Y.
Identifiers: ClinVar variation 1744743 (VCV001744743.5), dbSNP rs1596454994, ClinGen allele CA394311122.

ClinVar aggregate classification (germline): Uncertain significance. Review status: criteria provided, multiple submitters, no conflicts (2 of 4 stars). 2 submissions from 2 submitters: Uncertain significance (2). Last evaluated 2024-09-26.

Conditions:
Tuberous sclerosis 2 (TSC2). Identifiers: Orphanet 805, MedGen C1860707, MONDO:0013199, OMIM 613254.
Hereditary cancer-predisposing syndrome. Also called: Neoplastic Syndromes, Hereditary; Tumor predisposition; Hereditary Cancer Syndrome; Hereditary neoplastic syndrome. Identifiers: Orphanet 140162, MedGen C0027672, MeSH D009386, MONDO:0015356.

Allele frequency attached by ClinVar (database versions not stated): gnomAD 0.00001.
gnomAD v4.1: 1 of 1,612,496 alleles (0.000062%); highest among the groups gnomAD compares: Admixed American, 0.0017%; no homozygotes.

Submissions (2):

Labcorp Genetics (formerly Invitae), Labcorp
Classification: Uncertain significance for Tuberous sclerosis 2. Last evaluated: 2024-09-26. Review status: criteria provided, single submitter. Criteria: Invitae Variant Classification Sherloc (09022015). Collection method: clinical testing. Allele origin: germline.
Comment: This sequence change replaces histidine, which is basic and polar, with tyrosine, which is neutral and polar, at codon 1670 of the TSC2 protein (p.His1670Tyr). This variant is not present in population databases (gnomAD no frequency). This variant has not been reported in the literature in individuals affected with TSC2-related conditions. ClinVar contains an entry for this variant (Variation ID: 1744743). Invitae Evidence Modeling of protein sequence and biophysical properties (such as structural, functional, and spatial information, amino acid conservation, physicochemical variation, residue mobility, and thermodynamic stability) indicates that this missense variant is not expected to disrupt TSC2 protein function with a negative predictive value of 95%. In summary, the available evidence is currently insufficient to determine the role of this variant in disease. Therefore, it has been classified as a Variant of Uncertain Significance.

Ambry Genetics
Classification: Uncertain significance for Hereditary cancer-predisposing syndrome. Last evaluated: 2023-02-08. Review status: criteria provided, single submitter. Criteria: Ambry Variant Classification Scheme 2023. Collection method: clinical testing. Allele origin: germline.
Comment: The p.H1670Y variant (also known as c.5008C>T), located in coding exon 38 of the TSC2 gene, results from a C to T substitution at nucleotide position 5008. The histidine at codon 1670 is replaced by tyrosine, an amino acid with similar properties. This amino acid position is not well conserved in available vertebrate species. In addition, this alteration is predicted to be deleterious by in silico analysis. Since supporting evidence is limited at this time, the clinical significance of this alteration remains unclear.